The following is an entry in ClinVar:

NM_001004356.3(FGFRL1):c.948C>T (p.Asp316=)

Gene: FGFRL1 (fibroblast growth factor receptor like 1; plus strand). Cytogenetic location: 4p16.3.
Variant type: single nucleotide variant.
Coding change: c.948C>T on transcript NM_001004356.3 (MANE Select); coding-DNA position 948, C replaced by T.
Protein change: p.Asp316=; no amino-acid change (aspartic acid 316 retained).
Molecular consequence: synonymous variant.
Genome position (GRCh38, 1-based): chr4:1,024,540, C>T. VCF-style: chr4-1024540-C-T. GRCh37 (hg19) VCF-style: chr4-1018328-C-T.
Other names: c.948C>T, p.Asp316= (NM_001004358.1, NM_001370296.1, NM_021923.3).
Identifiers: ClinVar variation 736534 (VCV000736534.34), dbSNP rs147385493, ClinGen allele CA2802920.

ClinVar aggregate classification (germline): Likely benign. Review status: criteria provided, multiple submitters, no conflicts (2 of 4 stars). 4 submissions from 4 submitters: Likely benign (3). 1 of the submissions does not count toward it. Last evaluated 2026-07-01.

Conditions:
FGFRL1-related disorder. Also called: FGFRL1-related condition.

Allele frequency attached by ClinVar (database versions not stated): ESP Exome Variant Server 0.00054; TOPMed 0.00057; 1000 Genomes Project 30x 0.00062; gnomAD 0.00069 and 0.00077; 1000 Genomes Project 0.00100; ExAC 0.00101.
gnomAD v4.1: 1,497 of 1,612,496 alleles (0.093%); highest among the groups gnomAD compares: South Asian, 0.26%; 6 homozygotes.

Submissions (4):

CeGaT Center for Human Genetics Tuebingen
Classification: Likely benign. Last evaluated: 2026-07-01. Review status: criteria provided, single submitter. Criteria: CeGaT Center For Human Genetics Tuebingen Variant Classification Criteria Version 2. Collection method: clinical testing. Allele origin: germline. Affected: yes. Observed: 4 variant alleles.
Comment: FGFRL1: BP4, BP7

Labcorp Genetics (formerly Invitae), Labcorp
Classification: Likely benign. Last evaluated: 2025-12-29. Review status: criteria provided, single submitter. Criteria: Invitae Variant Classification Sherloc (09022015). Collection method: clinical testing. Allele origin: germline.

Breakthrough Genomics
Classification: Likely benign. Review status: criteria provided, single submitter. Criteria: ACMG Guidelines, 2015. Collection method: not provided. Allele origin: germline. Inheritance: Unknown mechanism. Affected: yes.

PreventionGenetics, part of Exact Sciences
Classification: Likely benign for FGFRL1-related condition. Last evaluated: 2019-04-30. Review status: no assertion criteria provided. Collection method: clinical testing. Allele origin: germline. Not counted in ClinVar's aggregate classification.
Comment: This variant is classified as likely benign based on ACMG/AMP sequence variant interpretation guidelines (Richards et al. 2015 PMID: 25741868, with internal and published modifications).